The following is an entry in ClinVar:

NM_006648.4(WNK2):c.2110A>T (p.Met704Leu)

Gene: WNK2 (WNK lysine deficient protein kinase 2; plus strand). Cytogenetic location: 9q22.31.
Variant type: single nucleotide variant.
Coding change: c.2110A>T on transcript NM_006648.4 (MANE Select); coding-DNA position 2110, A replaced by T.
Protein change: p.Met704Leu; replaces methionine 704 with leucine.
Molecular consequence: missense variant.
Genome position (GRCh38, 1-based): chr9:93,256,374, A>T. VCF-style: chr9-93256374-A-T. GRCh37 (hg19) VCF-style: chr9-96018656-A-T.
Other names: c.2110A>T, p.Met704Leu (NM_001282394.3); short protein forms M704L.
Identifiers: ClinVar variation 3816549 (VCV003816549.1).

ClinVar aggregate classification (germline): Uncertain significance (1 of 4 stars; one submission).

Submission:

Ambry Genetics
Classification: Uncertain significance. Last evaluated: 2024-12-20. Review status: criteria provided, single submitter. Criteria: Ambry Variant Classification Scheme 2023. Collection method: clinical testing. Allele origin: germline.
Comment: The p.M704L variant (also known as c.2110A>T), located in coding exon 9 of the WNK2 gene, results from an A to T substitution at nucleotide position 2110. The methionine at codon 704 is replaced by leucine, an amino acid with highly similar properties. This amino acid position is conserved. In addition, this alteration is predicted to be tolerated by in silico analysis. Based on the available evidence, the clinical significance of this variant remains unclear.